The following is an entry in ClinVar:

NM_014003.4(DHX38):c.3474G>C (p.Arg1158=)

Gene: DHX38 (DEAH-box helicase 38; plus strand). Cytogenetic location: 16q22.2.
Variant type: single nucleotide variant.
Coding change: c.3474G>C on transcript NM_014003.4 (MANE Select); coding-DNA position 3474, G replaced by C.
Protein change: p.Arg1158=; no amino-acid change (arginine 1158 retained).
Molecular consequence: synonymous variant.
Genome position (GRCh38, 1-based): chr16:72,109,507, G>C. VCF-style: chr16-72109507-G-C. GRCh37 (hg19) VCF-style: chr16-72143406-G-C.
Identifiers: ClinVar variation 708607 (VCV000708607.38), dbSNP rs111734496, ClinGen allele CA8160983.
Genomic context (GRCh38, chr16:72,109,507, plus strand): 5'-GGAGTGGCTGGCGGAGCTGGGCCCCATGTTCTATAGCGTGAAACAGGCGGGCAAGTCACG[G>C]CAGGTGAGGATTCTGTGCTCTTCGCAGGGGTGCTGTTTGCCTGTGGGGTCGGTGTTCCCT-3'
Protein context (NP_054722.2, residues 1148-1168): FYSVKQAGKS[Arg1158=]QENRRRAKEE

ClinVar aggregate classification (germline): Benign/Likely benign. Review status: criteria provided, multiple submitters, no conflicts (2 of 4 stars). 6 submissions from 6 submitters: Benign (3); Likely benign (1). 2 of the submissions do not count toward it. Last evaluated 2026-01-29.

Allele frequency attached by ClinVar (database versions not stated): gnomAD 0.00347 and 0.00372; TOPMed 0.00379; ESP Exome Variant Server 0.00416; 1000 Genomes Project 30x 0.00437; 1000 Genomes Project 0.00459; gnomAD exomes 0.00610.
gnomAD v4.1: 9,458 of 1,611,206 alleles (0.59%); highest among the groups gnomAD compares: South Asian, 1.1%; 37 homozygotes.

Submissions (6):

Labcorp Genetics (formerly Invitae), Labcorp
Classification: Benign. Last evaluated: 2026-01-29. Review status: criteria provided, single submitter. Criteria: Invitae Variant Classification Sherloc (09022015). Collection method: clinical testing. Allele origin: germline.

Blueprint Genetics
Classification: Likely benign. Last evaluated: 2024-11-26. Review status: criteria provided, single submitter. Criteria: ACMG Guidelines, 2015. Collection method: clinical testing. Allele origin: germline.

CeGaT Center for Human Genetics Tuebingen
Classification: Benign. Last evaluated: 2024-09-01. Review status: criteria provided, single submitter. Criteria: CeGaT Center For Human Genetics Tuebingen Variant Classification Criteria Version 2. Collection method: clinical testing. Allele origin: germline. Affected: yes. Observed: 4 variant alleles.
Comment: DHX38: BP4, BP7, BS1, BS2

Breakthrough Genomics
Classification: Benign. Review status: criteria provided, single submitter. Criteria: ACMG Guidelines, 2015. Collection method: not provided. Allele origin: germline. Inheritance: Autosomal recessive inheritance. Affected: yes.

Clinical Genetics DNA and cytogenetics Diagnostics Lab, Erasmus MC, Erasmus Medical Center
Classification: Likely benign. Review status: no assertion criteria provided. Collection method: clinical testing. Allele origin: germline. Affected: yes. Study: VKGL Data-share Consensus. Not counted in ClinVar's aggregate classification.

Clinical Genetics, Academic Medical Center
Classification: Benign. Review status: no assertion criteria provided. Collection method: clinical testing. Allele origin: germline. Affected: yes. Study: VKGL Data-share Consensus. Not counted in ClinVar's aggregate classification.